The following is an entry in ClinVar:

ClinVar aggregate classification (germline): Uncertain significance (1 of 4 stars; one submission).

Conditions:
Neurodevelopmental disorder with or without variable brain abnormalities; NEDBA. Also called: NEURODEVELOPMENTAL DISORDER WITH OR WITHOUT VARIABLE BRAIN ABNORMALITIES. Identifiers: MedGen C5193102, MONDO:0032755, OMIM 618443.

Submission:

Neuberg Centre For Genomic Medicine, NCGM
Classification: Uncertain significance for Neurodevelopmental disorder with or without variable brain abnormalities; NEDBA. Review status: criteria provided, single submitter. Criteria: ACMG Guidelines, 2015. Collection method: clinical testing. Allele origin: germline. Inheritance: Autosomal dominant inheritance. Affected: yes.
Comment: The observed missense c.1733G>C(p.Ser578Thr) variant in MAPK8IP3 gene has not been reported previously as a pathogenic variant nor as a benign variant, to our knowledge. The p.Ser578Thr variant is absent in gnomAD Exomes database. This variant has not been reported to the ClinVar database. Computational evidence (Polyphen - Benign, SIFT -Damaging and MutationTaster -Disease causing) predicts conflicting evidence on protein structure and function for this variant. The reference amino acid in MAPK8IP3 is predicted as conserved by GERP++ and PhyloP across 100 vertebrates. The amino acid Ser at position 578 is changed to a Thr changing protein sequence and it might alter its composition and physico-chemical properties. For these reasons, this variant has been classified as Uncertain Significance (VUS).

NM_001318852.2(MAPK8IP3):c.1733G>C (p.Ser578Thr)

Gene: MAPK8IP3 (mitogen-activated protein kinase 8 interacting protein 3; plus strand). Cytogenetic location: 16p13.3.
Variant type: single nucleotide variant.
Coding change: c.1733G>C on transcript NM_001318852.2 (MANE Select); coding-DNA position 1733, G replaced by C.
Protein change: p.Ser578Thr; replaces serine 578 with threonine.
Molecular consequence: missense variant.
Genome position (GRCh38, 1-based): chr16:1,762,841, G>C. VCF-style: chr16-1762841-G-C. GRCh37 (hg19) VCF-style: chr16-1812842-G-C.
Other names: c.1712G>C, p.Ser571Thr (NM_001040439.2); c.1730G>C, p.Ser577Thr (NM_015133.5); short protein forms S571T, S577T, S578T.
Identifiers: ClinVar variation 3377595 (VCV003377595.1).